The following is an entry in ClinVar:

ClinVar aggregate classification (germline): Uncertain significance (1 of 4 stars; one submission).

Conditions:
Neuropathy, hereditary sensory and autonomic, type 2A (HSAN2A). Also called: WNK1-Related HSAN2 (HSAN2A); ACROOSTEOLYSIS, GIACCAI TYPE; ACROOSTEOLYSIS, NEUROGENIC; MORVAN DISEASE; NEUROPATHY, CONGENITAL SENSORY; NEUROPATHY, HEREDITARY SENSORY RADICULAR, AUTOSOMAL RECESSIVE. Identifiers: Orphanet 970, MedGen C2752089, MONDO:0024309, OMIM 201300.
Pseudohypoaldosteronism type 2C (PHA2C). Also called: Pseudohypoaldosteronism Type IIC. Identifiers: Orphanet 757, Orphanet 88940, MedGen C1840391, MONDO:0013778, OMIM 614492.

gnomAD v4.1: 1 of 1,614,070 alleles (0.000062%); highest among the groups gnomAD compares: African/African-American, 0.0013%; no homozygotes.

Submission:

Labcorp Genetics (formerly Invitae), Labcorp
Classification: Uncertain significance for Neuropathy, hereditary sensory and autonomic, type 2A; Pseudohypoaldosteronism type 2C. Last evaluated: 2025-03-26. Review status: criteria provided, single submitter. Criteria: Invitae Variant Classification Sherloc (09022015). Collection method: clinical testing. Allele origin: germline.
Comment: This sequence change replaces alanine, which is neutral and non-polar, with valine, which is neutral and non-polar, at codon 1323 of the WNK1 protein (p.Ala1323Val). This variant is not present in population databases (gnomAD no frequency). This variant has not been reported in the literature in individuals affected with WNK1-related conditions. Experimental studies and prediction algorithms are not available or were not evaluated, and the functional significance of this variant is currently unknown. In summary, the available evidence is currently insufficient to determine the role of this variant in disease. Therefore, it has been classified as a Variant of Uncertain Significance.

NM_018979.4(WNK1):c.3212C>T (p.Ala1071Val)

Gene: WNK1 (WNK lysine deficient protein kinase 1; plus strand). Cytogenetic location: 12p13.33.
Variant type: single nucleotide variant.
Coding change: c.3212C>T on transcript NM_018979.4 (MANE Select); coding-DNA position 3212, C replaced by T.
Protein change: p.Ala1071Val; replaces alanine 1071 with valine.
Molecular consequence: missense variant.
Genome position (GRCh38, 1-based): chr12:881,913, C>T. VCF-style: chr12-881913-C-T. GRCh37 (hg19) VCF-style: chr12-991079-C-T.
Other names: c.3992C>T, p.Ala1331Val (NM_001184985.2); c.2471C>T, p.Ala824Val (NM_014823.3); c.3968C>T, p.Ala1323Val (NM_213655.5); short protein forms A824V, A1331V, A1071V, A1323V.
Identifiers: ClinVar variation 4790031 (VCV004790031.1).